The following is an entry in ClinVar:

ClinVar aggregate classification (germline): Uncertain significance (1 of 4 stars; one submission).

Submission:

Labcorp Genetics (formerly Invitae), Labcorp
Classification: Uncertain significance. Last evaluated: 2020-12-17. Review status: criteria provided, single submitter. Criteria: Invitae Variant Classification Sherloc (09022015). Collection method: clinical testing. Allele origin: germline.
Comment: This variant, c.498_512del, results in the deletion of 5 amino acid(s) of the ZSWIM6 protein (p.Thr167_Ala171del), but otherwise preserves the integrity of the reading frame. The frequency data for this variant in the population databases is considered unreliable, as metrics indicate insufficient coverage at this position in the ExAC database. This variant has not been reported in the literature in individuals with ZSWIM6-related conditions. Experimental studies and prediction algorithms are not available or were not evaluated, and the functional significance of this variant is currently unknown. In summary, the available evidence is currently insufficient to determine the role of this variant in disease. Therefore, it has been classified as a Variant of Uncertain Significance.

NM_020928.2(ZSWIM6):c.498_512del (p.162TSAAA[1])

Gene: ZSWIM6 (zinc finger SWIM-type containing 6; plus strand). Cytogenetic location: 5q12.1.
Variant type: Deletion.
Coding change: c.498_512del on transcript NM_020928.2 (MANE Select); coding-DNA positions 498 to 512, 15 bases deleted (AACCTCGGCCGCCGC).
Protein change: p.162TSAAA[1].
Molecular consequence: inframe deletion.
Genome position (GRCh38, 1-based): chr5:61,332,770-61,332,784, AACCTCGGCCGCCGC deleted; deleting any 15 consecutive bases within chr5:61,332,765-61,332,784 gives the same sequence; the c. name uses the placement nearest the transcript's 3' end. VCF-style (leftmost placement, unchanged base first): chr5-61332764-GGCCGCAACCTCGGCC-G. GRCh37 (hg19) VCF-style: chr5-60628591-GGCCGCAACCTCGGCC-G.
Identifiers: ClinVar variation 1989057 (VCV001989057.4), dbSNP rs1273576633, ClinGen allele CA812782090.